The following is an entry in ClinVar:

NM_001395413.1(POR):c.1965C>G (p.His655Gln)

Gene: POR (cytochrome p450 oxidoreductase; plus strand). Cytogenetic location: 7q11.23.
Variant type: single nucleotide variant.
Coding change: c.1965C>G on transcript NM_001395413.1 (MANE Select); coding-DNA position 1965, C replaced by G.
Protein change: p.His655Gln; replaces histidine 655 with glutamine.
Molecular consequence: missense variant.
Genome position (GRCh38, 1-based): chr7:75,986,412, C>G. VCF-style: chr7-75986412-C-G. GRCh37 (hg19) VCF-style: chr7-75615730-C-G.
Other names: c.1965C>G, p.His655Gln (NM_001367562.3, NM_001382657.2, NM_001382658.3 and 1 more transcripts); c.2019C>G, p.His673Gln (NM_001382655.3); c.1815C>G, p.His605Gln (NM_001382662.3); short protein forms H605Q, H655Q, H673Q.
Identifiers: ClinVar variation 1450100 (VCV001450100.6), dbSNP rs782143954, ClinGen allele CA367751098.

ClinVar aggregate classification (germline): Uncertain significance (1 of 4 stars; one submission).

Conditions:
Congenital adrenal hyperplasia due to cytochrome P450 oxidoreductase deficiency. Also called: DISORDERED STEROIDOGENESIS DUE TO POR DEFICIENCY. Identifiers: Orphanet 95699, MedGen C1860042, MONDO:0013310, OMIM 613571.

gnomAD v4.1: 2 of 1,612,558 alleles (0.00012%); highest among the groups gnomAD compares: Non-Finnish European, 0.00017%; no homozygotes.

Submission:

Labcorp Genetics (formerly Invitae), Labcorp
Classification: Uncertain significance for Congenital adrenal hyperplasia due to cytochrome P450 oxidoreductase deficiency. Last evaluated: 2021-10-20. Review status: criteria provided, single submitter. Criteria: Invitae Variant Classification Sherloc (09022015). Collection method: clinical testing. Allele origin: germline.
Comment: In summary, the available evidence is currently insufficient to determine the role of this variant in disease. Therefore, it has been classified as a Variant of Uncertain Significance. Algorithms developed to predict the effect of missense changes on protein structure and function output the following: SIFT: "Tolerated"; PolyPhen-2: "Benign"; Align-GVGD: "Class C0". The glutamine amino acid residue is found in multiple mammalian species, which suggests that this missense change does not adversely affect protein function. This variant has not been reported in the literature in individuals affected with POR-related conditions. This variant is not present in population databases (ExAC no frequency). This sequence change replaces histidine with glutamine at codon 658 of the POR protein (p.His658Gln). The histidine residue is moderately conserved and there is a small physicochemical difference between histidine and glutamine.